The following is an entry in ClinVar:

ClinVar aggregate classification (germline): Pathogenic (1 of 4 stars; one submission).

Submission:

Labcorp Genetics (formerly Invitae), Labcorp
Classification: Pathogenic. Last evaluated: 2025-03-05. Review status: criteria provided, single submitter. Criteria: Invitae Variant Classification Sherloc (09022015). Collection method: clinical testing. Allele origin: germline.
Comment: This sequence change creates a premature translational stop signal (p.Arg435*) in the PLS3 gene. It is expected to result in an absent or disrupted protein product. Loss-of-function variants in PLS3 are known to be pathogenic (PMID: 24088043, 30405713, 33166085). This variant is not present in population databases (gnomAD no frequency). This variant has not been reported in the literature in individuals affected with PLS3-related conditions. Algorithms developed to predict the effect of sequence changes on RNA splicing suggest that this variant may disrupt the consensus splice site. For these reasons, this variant has been classified as Pathogenic.

Literature cited by the submitters: PubMed 24088043; PubMed 30405713; PubMed 33166085.

NM_005032.7(PLS3):c.1303C>T (p.Arg435Ter)

Gene: PLS3 (plastin 3; plus strand). Cytogenetic location: Xq23.
Variant type: single nucleotide variant.
Coding change: c.1303C>T on transcript NM_005032.7 (MANE Select); coding-DNA position 1303, C replaced by T.
Protein change: p.Arg435Ter; replaces arginine 435 with a stop codon.
Molecular consequence: nonsense.
Genome position (GRCh38, 1-based): chrX:115,646,112, C>T. VCF-style: chrX-115646112-C-T. GRCh37 (hg19) VCF-style: chrX-114880432-C-T.
Other names: c.1303C>T, p.Arg435Ter (NM_001136025.5); c.1222C>T, p.Arg408Ter (NM_001172335.3); c.1264C>T, p.Arg422Ter (NM_001282337.2); c.1168C>T, p.Arg390Ter (NM_001282338.2); short protein forms R422*, R435*, R390*, R408*.
Identifiers: ClinVar variation 3675123 (VCV003675123.2).